The following is an entry in ClinVar:

ClinVar aggregate classification (germline): Uncertain significance (1 of 4 stars; one submission).

gnomAD v4.1: 4 of 1,474,452 alleles (0.00027%); highest among the groups gnomAD compares: South Asian, 0.0028%; no homozygotes.

Submission:

GeneDx
Classification: Uncertain significance. Last evaluated: 2016-08-06. Review status: criteria provided, single submitter. Criteria: GeneDx Variant Classification (06012015). Collection method: clinical testing. Allele origin: germline. Affected: yes.
Comment: This variant is denoted CDKN2A c.-49C>G and describes a nucleotide substitution 49 base pairs upstream of the ATG translational start site in the 5' untranslated region (UTR). This variant has not, to our knowledge, been published in the literature as pathogenic or benign. This variant does not appear to affect the start codon or the Kozak translational consensus sequence. CDKN2A c.-49C>G occurs at a position that is not conserved. CDKN2A c.-49C>G was not observed in approximately 6,500 individuals of European and African American ancestry in the NHLBI Exome Sequencing Project, suggesting it is not a common benign variant in these populations. Based on currently available information, it is unclear whether CDKN2A c.-49C>G is pathogenic or benign. We consider it to be a variant of uncertain significance.

NM_058195.4(CDKN2A):c.194-3668C>G

Gene: CDKN2A (cyclin dependent kinase inhibitor 2A; minus strand). Cytogenetic location: 9p21.3.
Variant type: single nucleotide variant.
Coding change: c.194-3668C>G on transcript NM_058195.4 (MANE Plus Clinical); 3668 bases into the intron before coding-DNA position 194, C replaced by G.
Molecular consequence: intron variant.
Genome position (GRCh38, 1-based): chr9:21,974,876, G>C on the plus strand (C>G on the coding strand, the complement: CDKN2A is on the minus strand). VCF-style: chr9-21974876-G-C. GRCh37 (hg19) VCF-style: chr9-21974875-G-C.
Other names: c.-49C>G (NM_000077.6); c.-3-3668C>G (NM_001363763.2).
Identifiers: ClinVar variation 421796 (VCV000421796.4), dbSNP rs1064793081, ClinGen allele CA16618838.
Genomic context (GRCh38, chr9:21,974,876, plus strand): 5'-CGCCGGCTCCATGCTGCTCCCCGCCGCCCGCTGCCTGCTCTCCCCCTCTCCGCAGCCGCC[G>C]AGCGCACGCGGTCCGCCCCACCCTCTGGTGACCAGCCAGCCCCTCCTCTTTCTTCCTCCG-3'